The following is an entry in ClinVar:

ClinVar aggregate classification (germline): Uncertain significance (1 of 4 stars; one submission).

Submission:

Labcorp Genetics (formerly Invitae), Labcorp
Classification: Uncertain significance. Last evaluated: 2022-10-14. Review status: criteria provided, single submitter. Criteria: Invitae Variant Classification Sherloc (09022015). Collection method: clinical testing. Allele origin: germline.
Comment: This sequence change replaces valine, which is neutral and non-polar, with methionine, which is neutral and non-polar, at codon 2012 of the MTOR protein (p.Val2012Met). This variant is not present in population databases (gnomAD no frequency). This variant has not been reported in the literature in individuals affected with MTOR-related conditions. Algorithms developed to predict the effect of missense changes on protein structure and function are either unavailable or do not agree on the potential impact of this missense change (SIFT: "Deleterious"; PolyPhen-2: "Probably Damaging"; Align-GVGD: "Class C0"). In summary, the available evidence is currently insufficient to determine the role of this variant in disease. Therefore, it has been classified as a Variant of Uncertain Significance.

NM_004958.4(MTOR):c.6034G>A (p.Val2012Met)

Gene: MTOR (mechanistic target of rapamycin kinase; minus strand). Cytogenetic location: 1p36.22.
Variant type: single nucleotide variant.
Coding change: c.6034G>A on transcript NM_004958.4 (MANE Select); coding-DNA position 6034, G replaced by A.
Protein change: p.Val2012Met; replaces valine 2012 with methionine.
Molecular consequence: missense variant.
Genome position (GRCh38, 1-based): chr1:11,127,806, C>T on the plus strand (G>A on the coding strand, the complement: MTOR is on the minus strand). VCF-style: chr1-11127806-C-T. GRCh37 (hg19) VCF-style: chr1-11187863-C-T.
Other names: c.6034G>A, p.Val2012Met (NM_001386500.1); c.4786G>A, p.Val1596Met (NM_001386501.1); short protein forms V1596M, V2012M.
Identifiers: ClinVar variation 1721636 (VCV001721636.5), dbSNP rs2100409457, ClinGen allele CA338394255.